The following is an entry in ClinVar:

NM_001308330.2(STXBP5L):c.3120G>A (p.Met1040Ile)

Gene: STXBP5L (syntaxin binding protein 5L; plus strand). Cytogenetic location: 3q13.33.
Variant type: single nucleotide variant.
Coding change: c.3120G>A on transcript NM_001308330.2 (MANE Select); coding-DNA position 3120, G replaced by A.
Protein change: p.Met1040Ile; replaces methionine 1040 with isoleucine.
Molecular consequence: missense variant. On other transcripts: non-coding transcript variant (1).
Genome position (GRCh38, 1-based): chr3:121,415,862, G>A. VCF-style: chr3-121415862-G-A. GRCh37 (hg19) VCF-style: chr3-121134709-G-A.
Other names: c.3192G>A, p.Met1064Ile (NM_001348343.2, NM_014980.3); c.3120G>A, p.Met1040Ile (NM_001348344.2, NM_001348345.2); short protein forms M1040I, M1064I.
Identifiers: ClinVar variation 3034247 (VCV003034247.2), dbSNP rs13094925, ClinGen allele CA2561983.

ClinVar aggregate classification (germline): Likely benign (0 of 4 stars; one submission).

Conditions:
STXBP5L-related disorder. Also called: STXBP5L-related condition.

Allele frequency attached by ClinVar (database versions not stated): 1000 Genomes Project 30x 0.00031; 1000 Genomes Project 0.00040; TOPMed 0.00086; gnomAD 0.00092; ExAC 0.00095; ESP Exome Variant Server 0.00127.

Submission:

PreventionGenetics, part of Exact Sciences
Classification: Likely benign for STXBP5L-related condition. Last evaluated: 2023-03-20. Review status: no assertion criteria provided. Collection method: clinical testing. Allele origin: germline.
Comment: This variant is classified as likely benign based on ACMG/AMP sequence variant interpretation guidelines (Richards et al. 2015 PMID: 25741868, with internal and published modifications).